The following is an entry in ClinVar:

ClinVar aggregate classification (germline): Benign/Likely benign. Review status: criteria provided, multiple submitters, no conflicts (2 of 4 stars). 3 submissions from 3 submitters: Benign (1); Likely benign (2). Last evaluated 2025-09-28.

Conditions:
Pseudohypoaldosteronism type 2D (PHA2D). Also called: FAMILIAL HYPERKALEMIC HYPERTENSION; PSEUDOHYPOALDOSTERONISM, TYPE IID, AUTOSOMAL DOMINANT OR RECESSIVE; Pseudohypoaldosteronism Type IID. Identifiers: Orphanet 300525, Orphanet 757, MedGen C3469605, MONDO:0013781, OMIM 614495.

Allele frequency attached by ClinVar (database versions not stated): ESP Exome Variant Server 0.00008; ExAC 0.00012; gnomAD exomes 0.00012 and 0.00015; 1000 Genomes Project 30x 0.00016; TOPMed 0.00016; gnomAD 0.00019 and 0.00020; 1000 Genomes Project 0.00020.
gnomAD v4.1: 247 of 1,613,206 alleles (0.015%); highest among the groups gnomAD compares: African/African-American, 0.041%; no homozygotes.

Submissions (3):

Labcorp Genetics (formerly Invitae), Labcorp
Classification: Likely benign. Last evaluated: 2025-09-28. Review status: criteria provided, single submitter. Criteria: Invitae Variant Classification Sherloc (09022015). Collection method: clinical testing. Allele origin: germline.

Fulgent Genetics
Classification: Likely benign for Pseudohypoaldosteronism type 2D. Last evaluated: 2021-12-03. Review status: criteria provided, single submitter. Criteria: ACMG Guidelines, 2015. Collection method: clinical testing. Allele origin: unknown.

Illumina Laboratory Services, Illumina
Classification: Benign for Pseudohypoaldosteronism type 2D. Last evaluated: 2018-01-13. Review status: criteria provided, single submitter. Criteria: ICSL Variant Classification Criteria 13 December 2019. Collection method: clinical testing. Allele origin: germline.
Comment: This variant was observed in the ICSL laboratory as part of a predisposition screen in an ostensibly healthy population. It had not been previously curated by ICSL or reported in the Human Gene Mutation Database (HGMD: prior to June 1st, 2018), and was therefore a candidate for classification through an automated scoring system. Utilizing variant allele frequency, disease prevalence and penetrance estimates, and inheritance mode, an automated score was calculated to assess if this variant is too frequent to cause the disease. Based on the score and internal cut-off values, a variant classified as benign is not then subjected to further curation. The score for this variant resulted in a classification of benign for this disease.

NM_017415.3(KLHL3):c.904-5C>T

Gene: KLHL3 (kelch like family member 3; minus strand). Cytogenetic location: 5q31.2.
Variant type: single nucleotide variant.
Coding change: c.904-5C>T on transcript NM_017415.3 (MANE Select); 5 bases into the intron before coding-DNA position 904, C replaced by T.
Molecular consequence: intron variant.
Genome position (GRCh38, 1-based): chr5:137,639,982, G>A on the plus strand (C>T on the coding strand, the complement: KLHL3 is on the minus strand). VCF-style: chr5-137639982-G-A. GRCh37 (hg19) VCF-style: chr5-136975671-G-A.
Other names: c.808-5C>T (NM_001257194.1); c.658-5C>T (NM_001257195.2).
Identifiers: ClinVar variation 350990 (VCV000350990.8), dbSNP rs375172469, ClinGen allele CA3422338.
Genomic context (GRCh38, chr5:137,639,982, plus strand): 5'-TAGCACTCCACACTGCGGATTGCCTTGGGTGCCTGGCCGCCAACCACAATCATGACCTCC[G>A]GAGAGACAAGTGGACGTTAGCGGGGTCACCCCAAAATCTGGATTTATGGTATCCCTGGTA-3'